The following is an entry in ClinVar:

NM_001927.4(DES):c.43C>A (p.Arg15Ser)

Gene: DES (desmin; plus strand). Cytogenetic location: 2q35.
Variant type: single nucleotide variant.
Coding change: c.43C>A on transcript NM_001927.4 (MANE Select); coding-DNA position 43, C replaced by A.
Protein change: p.Arg15Ser; replaces arginine 15 with serine.
Molecular consequence: missense variant.
Genome position (GRCh38, 1-based): chr2:219,418,505, C>A. VCF-style: chr2-219418505-C-A. GRCh37 (hg19) VCF-style: chr2-220283227-C-A.
Other names: c.43C>A, p.Arg15Ser (NM_001382708.1, NM_001382709.1, NM_001382710.1 and 3 more transcripts); short protein forms R15S.
Identifiers: ClinVar variation 1405121 (VCV001405121.8), dbSNP rs756390565, ClinGen allele CA16622111.

ClinVar aggregate classification (germline): Uncertain significance. Review status: criteria provided, multiple submitters, no conflicts (2 of 4 stars). 2 submissions from 2 submitters: Uncertain significance (2). Last evaluated 2025-09-10.

Conditions:
Desmin-related myofibrillar myopathy (MFM1). Also called: MYOFIBRILLAR MYOPATHY WITH ARRHYTHMOGENIC RIGHT VENTRICULAR CARDIOMYOPATHY; DESMIN-RELATED MYOPATHY WITH ARRHYTHMOGENIC RIGHT VENTRICULAR CARDIOMYOPATHY; Myofibrillar myopathy 1; Desminopathy; Desmin related myopathy (former name); Desmin storage myopathy (former name). Identifiers: Orphanet 363543, Orphanet 98909, MedGen C1832370, MONDO:0011076, OMIM 601419.

gnomAD v4.1: 4 of 1,603,158 alleles (0.00025%); highest among the groups gnomAD compares: East Asian, 0.0046%; no homozygotes.

Submissions (2):

Labcorp Genetics (formerly Invitae), Labcorp
Classification: Uncertain significance for Desmin-related myofibrillar myopathy. Last evaluated: 2025-09-10. Review status: criteria provided, single submitter. Criteria: Invitae Variant Classification Sherloc (09022015). Collection method: clinical testing. Allele origin: germline.
Comment: This sequence change replaces arginine, which is basic and polar, with serine, which is neutral and polar, at codon 15 of the DES protein (p.Arg15Ser). The frequency data for this variant in the population databases is considered unreliable, as metrics indicate poor data quality at this position in the gnomAD database. This variant has not been reported in the literature in individuals affected with DES-related conditions. ClinVar contains an entry for this variant (Variation ID: 1405121). An algorithm developed to predict the effect of missense changes on protein structure and function outputs the following: PolyPhen-2: "Not Available". The serine amino acid residue is found in multiple mammalian species, which suggests that this missense change does not adversely affect protein function. In summary, the available evidence is currently insufficient to determine the role of this variant in disease. Therefore, it has been classified as a Variant of Uncertain Significance.

Revvity Omics, Revvity
Classification: Uncertain significance. Last evaluated: 2022-06-28. Review status: criteria provided, single submitter. Criteria: ACMG Guidelines, 2015. Collection method: clinical testing. Allele origin: germline.